The following is an entry in ClinVar:

ClinVar aggregate classification (germline): Conflicting classifications of pathogenicity. Review status: criteria provided, conflicting classifications (1 of 4 stars). 2 submissions from 2 submitters: Uncertain significance (1); Likely benign (1). Last evaluated 2024-10-29.

Allele frequency attached by ClinVar (database versions not stated): TOPMed 0.00007; gnomAD 0.00016 and 0.00019; gnomAD exomes 0.00024.

Submissions (2):

Blueprint Genetics
Classification: Likely benign. Last evaluated: 2024-10-29. Review status: criteria provided, single submitter. Criteria: ACMG Guidelines, 2015. Collection method: clinical testing. Allele origin: germline.

Labcorp Genetics (formerly Invitae), Labcorp
Classification: Uncertain significance. Last evaluated: 2023-07-09. Review status: criteria provided, single submitter. Criteria: Invitae Variant Classification Sherloc (09022015). Collection method: clinical testing. Allele origin: germline.
Comment: This sequence change replaces leucine, which is neutral and non-polar, with proline, which is neutral and non-polar, at codon 889 of the PCARE protein (p.Leu889Pro). This variant is present in population databases (rs200893735, gnomAD 0.1%). This variant has not been reported in the literature in individuals affected with PCARE-related conditions. ClinVar contains an entry for this variant (Variation ID: 1046859). An algorithm developed to predict the effect of missense changes on protein structure and function (PolyPhen-2) suggests that this variant¬†is likely to be tolerated. In summary, the available evidence is currently insufficient to determine the role of this variant in disease. Therefore, it has been classified as a Variant of Uncertain Significance.

NM_001029883.3(PCARE):c.2666T>C (p.Leu889Pro)

Gene: PCARE (photoreceptor cilium actin regulator; minus strand). Cytogenetic location: 2p23.2.
Variant type: single nucleotide variant.
Coding change: c.2666T>C on transcript NM_001029883.3 (MANE Select); coding-DNA position 2666, T replaced by C.
Protein change: p.Leu889Pro; replaces leucine 889 with proline.
Molecular consequence: missense variant.
Genome position (GRCh38, 1-based): chr2:29,071,596, A>G on the plus strand (T>C on the coding strand, the complement: PCARE is on the minus strand). VCF-style: chr2-29071596-A-G. GRCh37 (hg19) VCF-style: chr2-29294462-A-G.
Other names: short protein forms L889P.
Identifiers: ClinVar variation 1046859 (VCV001046859.6), dbSNP rs200893735, ClinGen allele CA1592149.